The following is an entry in ClinVar:

ClinVar aggregate classification (germline): Pathogenic (1 of 4 stars; one submission).

Submission:

Labcorp Genetics (formerly Invitae), Labcorp
Classification: Pathogenic. Last evaluated: 2024-09-08. Review status: criteria provided, single submitter. Criteria: Invitae Variant Classification Sherloc (09022015). Collection method: clinical testing. Allele origin: germline.
Comment: This sequence change creates a premature translational stop signal (p.Ala1222Profs*5) in the COL2A1 gene. It is expected to result in an absent or disrupted protein product. Loss-of-function variants in COL2A1 are known to be pathogenic (PMID: 20179744). This variant is not present in population databases (gnomAD no frequency). This variant has not been reported in the literature in individuals affected with COL2A1-related conditions. ClinVar contains an entry for this variant (Variation ID: 957997). For these reasons, this variant has been classified as Pathogenic.

Literature cited by the submitters: PubMed 20179744.

NM_001844.5(COL2A1):c.3663del (p.Ala1222fs)

Gene: COL2A1 (collagen type II alpha 1 chain; minus strand). Cytogenetic location: 12q13.11.
Variant type: Deletion.
Coding change: c.3663del on transcript NM_001844.5 (MANE Select); coding-DNA position 3663, one base deleted (C; older notation c.3663delC).
Protein change: p.Ala1222fs; shifts the reading frame from alanine 1222.
Molecular consequence: frameshift variant.
Genome position (GRCh38, 1-based): chr12:47,975,540, G deleted on the plus strand (C on the coding strand, the reverse complement: COL2A1 is on the minus strand); the first of 2 consecutive G bases (chr12:47,975,540-47,975,541); deleting either gives the same sequence. VCF-style (leftmost placement, unchanged base first): chr12-47975539-CG-C. GRCh37 (hg19) VCF-style: chr12-48369322-CG-C.
Other names: c.3456del, p.Ala1153fs (NM_033150.3); short protein forms A1222fs, A1153fs.
Identifiers: ClinVar variation 957997 (VCV000957997.7), dbSNP rs1938661102, ClinGen allele CA1139662609.